The following is an entry in ClinVar:

ClinVar aggregate classification (germline): Benign/Likely benign. Review status: criteria provided, multiple submitters, no conflicts (2 of 4 stars). 8 submissions from 8 submitters: Benign (1); Likely benign (7). Last evaluated 2026-09-01.

Conditions:
Von Hippel-Lindau syndrome (VHLS). Also called: VHL syndrome; Von Hippel-Lindau; von Hippel–Lindau syndrome. Identifiers: Orphanet 892, MedGen C0019562, MONDO:0008667, OMIM 193300. Disease mechanism: loss of function.
Chuvash polycythemia. Also called: POLYCYTHEMIA, VHL-DEPENDENT. Identifiers: Orphanet 238557, MedGen C1837915, MONDO:0009892, OMIM 263400.
Hereditary cancer-predisposing syndrome. Also called: Hereditary neoplastic syndrome; Neoplastic Syndromes, Hereditary; Hereditary Cancer Syndrome; Tumor predisposition. Identifiers: Orphanet 140162, MedGen C0027672, MeSH D009386, MONDO:0015356.

Allele frequency attached by ClinVar (database versions not stated): gnomAD exomes 0.00003; ExAC 0.00004; gnomAD 0.00001; TOPMed 0.00002.
gnomAD v4.1: 20 of 1,614,020 alleles (0.0012%); highest among the groups gnomAD compares: Admixed American, 0.01%; no homozygotes.

Submissions (8):

CeGaT Center for Human Genetics Tuebingen
Classification: Likely benign. Last evaluated: 2026-09-01. Review status: criteria provided, single submitter. Criteria: CeGaT Center For Human Genetics Tuebingen Variant Classification Criteria Version 2. Collection method: clinical testing. Allele origin: germline. Affected: yes. Observed: 2 variant alleles.
Comment: VHL: BP4, BP7

Labcorp Genetics (formerly Invitae), Labcorp
Classification: Likely benign for Von Hippel-Lindau syndrome; Chuvash polycythemia. Last evaluated: 2025-12-31. Review status: criteria provided, single submitter. Criteria: Invitae Variant Classification Sherloc (09022015). Collection method: clinical testing. Allele origin: germline.

Myriad Genetics, Inc.
Classification: Benign for Von Hippel-Lindau syndrome. Last evaluated: 2025-06-13. Review status: criteria provided, single submitter. Criteria: Myriad Autosomal Dominant, Autosomal Recessive and X-Linked Classification Criteria (2023). Collection method: clinical testing. Allele origin: unknown.
Comment: This variant is considered benign. This variant is a silent/synonymous amino acid change and it is not expected to impact splicing.

All of Us Research Program, National Institutes of Health
Classification: Likely benign for Von Hippel-Lindau syndrome. Last evaluated: 2024-06-07. Review status: criteria provided, single submitter. Criteria: ACMG Guidelines, 2015. Collection method: clinical testing. Allele origin: germline. Inheritance: Autosomal dominant inheritance. Observed: 3 variant alleles, 3 heterozygotes.
Comment: This study involves interpretation of variants in research participants for the purpose of population health screening. Participant phenotype was not available at the time of variant classification. Additional details can be found in publication PMID: 35346344, PMCID: PMC8962531

Color Diagnostics, LLC DBA Color Health
Classification: Likely benign for Von Hippel-Lindau syndrome. Last evaluated: 2022-04-01. Review status: criteria provided, single submitter. Criteria: ACMG Guidelines, 2015. Collection method: clinical testing. Allele origin: germline.

Sema4
Classification: Likely benign for Hereditary cancer-predisposing syndrome. Last evaluated: 2021-07-12. Review status: criteria provided, single submitter. Criteria: Sema4 Curation Guidelines. Collection method: curation. Allele origin: germline.

GeneDx
Classification: Likely benign. Last evaluated: 2019-01-28. Review status: criteria provided, single submitter. Criteria: GeneDx Variant Classification Process June 2021. Collection method: clinical testing. Allele origin: germline. Affected: yes.

Ambry Genetics
Classification: Likely benign for Hereditary cancer-predisposing syndrome. Last evaluated: 2016-10-28. Review status: criteria provided, single submitter. Criteria: Ambry Variant Classification Scheme 2023. Collection method: clinical testing. Allele origin: germline.

NM_000551.4(VHL):c.612G>A (p.Glu204=)

Genes: VHL (von Hippel-Lindau tumor suppressor; plus strand), LOC107303340 (3p25 von Hippel-Lindau tumor suppressor, E3 ubiquitin protein ligase Alu-mediated recombination region; plus strand). Cytogenetic location: 3p25.3.
Variant type: single nucleotide variant.
Coding change: c.612G>A on transcript NM_000551.4 (MANE Select); coding-DNA position 612, G replaced by A.
Protein change: p.Glu204=; no amino-acid change (glutamic acid 204 retained).
Molecular consequence: synonymous variant. On other transcripts: 3 prime UTR variant (1).
Genome position (GRCh38, 1-based): chr3:10,149,935, G>A. VCF-style: chr3-10149935-G-A. GRCh37 (hg19) VCF-style: chr3-10191619-G-A.
Other names: c.*166G>A (NM_001354723.2); c.489G>A, p.Glu163= (NM_198156.3).
Identifiers: ClinVar variation 384098 (VCV000384098.54), dbSNP rs747805018, ClinGen allele CA041926.